The following is an entry in ClinVar:

ClinVar aggregate classification (germline): Uncertain significance (1 of 4 stars; one submission).

Conditions:
ALMS1-related disorder. Also called: ALMS1-related condition.

Submission:

PreventionGenetics, part of Exact Sciences
Classification: Uncertain significance for ALMS1-related condition. Last evaluated: 2023-03-23. Review status: criteria provided, single submitter. Criteria: ACMG Guidelines, 2015. Collection method: clinical testing. Allele origin: germline.
Comment: The ALMS1 c.10315A>G variant is predicted to result in the amino acid substitution p.Arg3439Gly. To our knowledge, this variant has not been reported in the literature. This variant is reported in 0.058% of alleles in individuals of Latino descent in gnomAD. Although we suspect that this variant may be benign, at this time, the clinical significance of this variant is uncertain due to the absence of conclusive functional and genetic evidence.

NM_001378454.1(ALMS1):c.10312A>G (p.Ile3438Val)

Gene: ALMS1 (ALMS1 centrosome and basal body associated protein; plus strand). Cytogenetic location: 2p13.1.
Variant type: single nucleotide variant.
Coding change: c.10312A>G on transcript NM_001378454.1 (MANE Select); coding-DNA position 10312, A replaced by G.
Protein change: p.Ile3438Val; replaces isoleucine 3438 with valine.
Molecular consequence: missense variant.
Genome position (GRCh38, 1-based): chr2:73,559,070, A>G. VCF-style: chr2-73559070-A-G. GRCh37 (hg19) VCF-style: chr2-73786197-A-G.
Other names: c.10315A>G, p.Ile3439Val (NM_015120.4); short protein forms I3438V, I3439V.
Identifiers: ClinVar variation 2635010 (VCV002635010.1), dbSNP rs2466408523, ClinGen allele CA347278140.